The following is an entry in ClinVar:

NM_015602.4(TOR1AIP1):c.1181T>C (p.Leu394Pro)

Gene: TOR1AIP1 (torsin 1A interacting protein 1; plus strand). Cytogenetic location: 1q25.2.
Variant type: single nucleotide variant.
Coding change: c.1181T>C on transcript NM_015602.4 (MANE Select); coding-DNA position 1181, T replaced by C.
Protein change: p.Leu394Pro; replaces leucine 394 with proline.
Molecular consequence: missense variant.
Genome position (GRCh38, 1-based): chr1:179,917,668, T>C. VCF-style: chr1-179917668-T-C. GRCh37 (hg19) VCF-style: chr1-179886803-T-C.
Other names: c.1184T>C, p.Leu395Pro (NM_001267578.2); short protein forms L394P, L395P.
Identifiers: ClinVar variation 3600617 (VCV003600617.1).

ClinVar aggregate classification (germline): Uncertain significance (1 of 4 stars; one submission).

gnomAD v4.1: 27 of 1,614,078 alleles (0.0017%); highest among the groups gnomAD compares: Non-Finnish European, 0.0023%; no homozygotes.

Submission:

GeneDx
Classification: Uncertain significance. Last evaluated: 2024-07-26. Review status: criteria provided, single submitter. Criteria: GeneDx Variant Classification Process June 2021. Collection method: clinical testing. Allele origin: germline. Affected: yes.
Comment: Not observed at significant frequency in large population cohorts (gnomAD); In silico analysis supports that this missense variant has a deleterious effect on protein structure/function; Reported in an individual with LGMD, who also harbored a c.128delC TOR1AIP1 variant (PMID: 26436962); This variant is associated with the following publications: (PMID: 26436962)